The following is an entry in ClinVar:

ClinVar aggregate classification (germline): Likely benign. Review status: criteria provided, multiple submitters, no conflicts (2 of 4 stars). 2 submissions from 2 submitters: Likely benign (2). Last evaluated 2026-01-21.

Conditions:
MYO7A-related disorder. Also called: MYO7A-related disorders.

Allele frequency attached by ClinVar (database versions not stated): gnomAD exomes below 0.00001.

Submissions (2):

PreventionGenetics, part of Exact Sciences
Classification: Likely benign for MYO7A-related condition. Last evaluated: 2026-01-21. Review status: criteria provided, single submitter. Criteria: ACMG Guidelines, 2015. Collection method: clinical testing. Allele origin: germline.
Comment: This variant is classified as likely benign based on ACMG/AMP sequence variant interpretation guidelines (Richards et al. 2015 PMID: 25741868, with internal and published modifications).

Labcorp Genetics (formerly Invitae), Labcorp
Classification: Likely benign. Last evaluated: 2020-08-20. Review status: criteria provided, single submitter. Criteria: Invitae Variant Classification Sherloc (09022015). Collection method: clinical testing. Allele origin: germline.

NM_000260.4(MYO7A):c.2913G>A (p.Glu971=)

Gene: MYO7A (myosin VIIA; plus strand). Cytogenetic location: 11q13.5.
Variant type: single nucleotide variant.
Coding change: c.2913G>A on transcript NM_000260.4 (MANE Select); coding-DNA position 2913, G replaced by A.
Protein change: p.Glu971=; no amino-acid change (glutamic acid 971 retained).
Molecular consequence: synonymous variant.
Genome position (GRCh38, 1-based): chr11:77,181,959, G>A. VCF-style: chr11-77181959-G-A. GRCh37 (hg19) VCF-style: chr11-76893005-G-A.
Other names: c.2913G>A (NM_000260.3); c.2913G>A, p.Glu971= (NM_001127180.2); c.2880G>A, p.Glu960= (NM_001369365.1).
Identifiers: ClinVar variation 1099498 (VCV001099498.10), dbSNP rs1555084768, ClinGen allele CA475795475.